The following is an entry in ClinVar:

ClinVar aggregate classification (germline): Uncertain significance. Review status: criteria provided, multiple submitters, no conflicts (2 of 4 stars). 2 submissions from 2 submitters: Uncertain significance (2). Last evaluated 2025-04-20.

Conditions:
Inborn genetic diseases. Identifiers: MedGen C0950123, MeSH D030342.
T-cell immunodeficiency, congenital alopecia, and nail dystrophy. Also called: Congenital alopecia and nail dystrophy associated with severe functional T-cell immunodeficiency; Pignata Guarino syndrome. Identifiers: Orphanet 169095, MedGen C1866426, MONDO:0011132, OMIM 601705.

Allele frequency attached by ClinVar (database versions not stated): gnomAD exomes 0.00001; gnomAD 0.00002 and 0.00003; TOPMed 0.00003.

Submissions (2):

Ambry Genetics
Classification: Uncertain significance for Inborn genetic diseases. Last evaluated: 2025-04-20. Review status: criteria provided, single submitter. Criteria: Ambry Variant Classification Scheme 2023. Collection method: clinical testing. Allele origin: germline.

Labcorp Genetics (formerly Invitae), Labcorp
Classification: Uncertain significance for T-cell immunodeficiency, congenital alopecia, and nail dystrophy. Last evaluated: 2022-07-05. Review status: criteria provided, single submitter. Criteria: Invitae Variant Classification Sherloc (09022015). Collection method: clinical testing. Allele origin: germline.
Comment: This sequence change replaces alanine, which is neutral and non-polar, with proline, which is neutral and non-polar, at codon 594 of the FOXN1 protein (p.Ala594Pro). This variant is present in population databases (no rsID available, gnomAD 0.002%). This variant has not been reported in the literature in individuals affected with FOXN1-related conditions. ClinVar contains an entry for this variant (Variation ID: 1445259). Algorithms developed to predict the effect of missense changes on protein structure and function output the following: SIFT: "Tolerated"; PolyPhen-2: "Benign"; Align-GVGD: "Class C0". The proline amino acid residue is found in multiple mammalian species, which suggests that this missense change does not adversely affect protein function. In summary, the available evidence is currently insufficient to determine the role of this variant in disease. Therefore, it has been classified as a Variant of Uncertain Significance.

NM_001369369.1(FOXN1):c.1780G>C (p.Ala594Pro)

Gene: FOXN1 (forkhead box N1; plus strand). Cytogenetic location: 17q11.2.
Variant type: single nucleotide variant.
Coding change: c.1780G>C on transcript NM_001369369.1 (MANE Select); coding-DNA position 1780, G replaced by C.
Protein change: p.Ala594Pro; replaces alanine 594 with proline.
Molecular consequence: missense variant.
Genome position (GRCh38, 1-based): chr17:28,537,269, G>C. VCF-style: chr17-28537269-G-C. GRCh37 (hg19) VCF-style: chr17-26864287-G-C.
Other names: c.1780G>C, p.Ala594Pro (NM_003593.3); c.1780G>C (NM_003593.2); short protein forms A594P.
Identifiers: ClinVar variation 1445259 (VCV001445259.7), dbSNP rs769422262, ClinGen allele CA289121433.